The following is an entry in ClinVar:

ClinVar aggregate classification (germline): Pathogenic/Likely pathogenic. Review status: criteria provided, multiple submitters, no conflicts (2 of 4 stars). 2 submissions from 2 submitters: Pathogenic (1); Likely pathogenic (1). Last evaluated 2023-02-16.

Conditions:
Marfan syndrome (MFS). Also called: MARFAN SYNDROME, TYPE I; FBN1-Related Marfan Syndrome; Marfan syndrome, classic; Marfan syndrome type 1; Marfan's syndrome. Identifiers: Orphanet 284963, Orphanet 558, MedGen C0024796, MONDO:0007947, OMIM 154700.
Familial thoracic aortic aneurysm and aortic dissection (TAAD). Also called: Thoracic aortic aneurysms and dissections. Identifiers: Orphanet 91387, MedGen C4707243, MONDO:0019625.

Submissions (2):

Labcorp Genetics (formerly Invitae), Labcorp
Classification: Likely pathogenic for Marfan syndrome; Familial thoracic aortic aneurysm and aortic dissection. Last evaluated: 2023-02-16. Review status: criteria provided, single submitter. Criteria: Invitae Variant Classification Sherloc (09022015). Collection method: clinical testing. Allele origin: germline.
Comment: This sequence change affects an acceptor splice site in intron 26 of the FBN1 gene. It is expected to disrupt RNA splicing. Variants that disrupt the donor or acceptor splice site typically lead to a loss of protein function (PMID: 16199547), and loss-of-function variants in FBN1 are known to be pathogenic (PMID: 17657824, 19293843). This variant is not present in population databases (gnomAD no frequency). Disruption of this splice site has been observed in individual(s) with FBN1-related conditions (PMID: 17657824, 29848614). ClinVar contains an entry for this variant (Variation ID: 263860). Algorithms developed to predict the effect of sequence changes on RNA splicing suggest that this variant may disrupt the consensus splice site. In summary, the currently available evidence indicates that the variant is pathogenic, but additional data are needed to prove that conclusively. Therefore, this variant has been classified as Likely Pathogenic.

Ambry Genetics
Classification: Pathogenic for Familial thoracic aortic aneurysm and aortic dissection. Last evaluated: 2014-09-22. Review status: criteria provided, single submitter. Criteria: Ambry Variant Classification Scheme 2023. Collection method: clinical testing. Allele origin: germline.
Comment: The c.3209-1G>C intronic pathogenic mutation results from a G to C substitution one nucleotide upstream from coding exon 26 of the FBN1 gene. Since alterations that disrupt the canonical splice acceptor site are typically deleterious in nature, this alteration is interpreted as a disease-causing mutation (ACMG Recommendations for Standards for Interpretation and Reporting of Sequence Variations. Revision 2007. Genet Med. 2008;10:294).

Literature cited by the submitters: PubMed 16199547 (cited by Labcorp Genetics (formerly Invitae), Labcorp); PubMed 17657824 (cited by Labcorp Genetics (formerly Invitae), Labcorp); PubMed 19293843 (cited by Labcorp Genetics (formerly Invitae), Labcorp); PubMed 29848614 (cited by Labcorp Genetics (formerly Invitae), Labcorp).

NM_000138.5(FBN1):c.3209-1G>C

Gene: FBN1 (fibrillin 1; minus strand). Cytogenetic location: 15q21.1.
Variant type: single nucleotide variant.
Coding change: c.3209-1G>C on transcript NM_000138.5 (MANE Select); the canonical splice acceptor site of the intron before coding-DNA position 3209, G replaced by C.
Molecular consequence: splice acceptor variant.
Genome position (GRCh38, 1-based): chr15:48,488,242, C>G on the plus strand (G>C on the coding strand, the complement: FBN1 is on the minus strand). VCF-style: chr15-48488242-C-G. GRCh37 (hg19) VCF-style: chr15-48780439-C-G.
Other names: c.3209-1G>C (NM_001406716.1).
Identifiers: ClinVar variation 263860 (VCV000263860.8), dbSNP rs886038956, ClinGen allele CA10587835.